The following is an entry in ClinVar:

NM_000038.6(APC):c.8161C>T (p.Arg2721Cys)

Gene: APC (APC regulator of Wnt signaling pathway; plus strand). Cytogenetic location: 5q22.2.
Variant type: single nucleotide variant.
Coding change: c.8161C>T on transcript NM_000038.6 (MANE Select); coding-DNA position 8161, C replaced by T.
Protein change: p.Arg2721Cys; replaces arginine 2721 with cysteine.
Molecular consequence: missense variant.
Genome position (GRCh38, 1-based): chr5:112,843,755, C>T. VCF-style: chr5-112843755-C-T. GRCh37 (hg19) VCF-style: chr5-112179452-C-T.
Other names: c.8161C>T, p.Arg2721Cys (NM_001127510.3, NM_001354895.2); c.8107C>T, p.Arg2703Cys (NM_001127511.3); c.8215C>T, p.Arg2739Cys (NM_001354896.2); c.8191C>T, p.Arg2731Cys (NM_001354897.2); c.8086C>T, p.Arg2696Cys (NM_001354898.2); c.8077C>T, p.Arg2693Cys (NM_001354899.2); c.8038C>T, p.Arg2680Cys (NM_001354900.2); c.7984C>T, p.Arg2662Cys (NM_001354901.2); and 5 more; short protein forms R2703C, R2721C, R2438C, R2595C, R2693C, R2561C, R2662C, R2620C.
Identifiers: ClinVar variation 142214 (VCV000142214.27), dbSNP rs587782312, ClinGen allele CA014412.

ClinVar aggregate classification (germline): Uncertain significance. Review status: criteria provided, multiple submitters, no conflicts (2 of 4 stars). 8 submissions from 8 submitters: Uncertain significance (7). 1 of the submissions does not count toward it. Last evaluated 2025-12-24.

Conditions:
Classic or attenuated familial adenomatous polyposis. Identifiers: MedGen CN372698, MONDO:0021057.
Hereditary cancer-predisposing syndrome. Also called: Neoplastic Syndromes, Hereditary; Tumor predisposition; Hereditary Cancer Syndrome; Hereditary neoplastic syndrome. Identifiers: Orphanet 140162, MedGen C0027672, MeSH D009386, MONDO:0015356.
Familial adenomatous polyposis 1 (FAP1). Also called: FAMILIAL ADENOMATOUS POLYPOSIS 1, ATTENUATED; POLYPOSIS, ADENOMATOUS INTESTINAL. Identifiers: MedGen C2713442, MONDO:0021056, OMIM 175100. Disease mechanism: loss of function.

Allele frequency attached by ClinVar (database versions not stated): gnomAD 0.00001; TOPMed 0.00001.
gnomAD v4.1: 8 of 1,613,876 alleles (0.0005%); highest among the groups gnomAD compares: Middle Eastern, 0.016%; no homozygotes.

Submissions (8):

Labcorp Genetics (formerly Invitae), Labcorp
Classification: Uncertain significance for Familial adenomatous polyposis 1. Last evaluated: 2025-12-24. Review status: criteria provided, single submitter. Criteria: Invitae Variant Classification Sherloc (09022015). Collection method: clinical testing. Allele origin: germline.
Comment: This sequence change replaces arginine, which is basic and polar, with cysteine, which is neutral and slightly polar, at codon 2721 of the APC protein (p.Arg2721Cys). This variant is present in population databases (rs587782312, gnomAD 0.003%). This missense change has been observed in individual(s) with colon, biliary tract, and/or breast cancer (PMID: 25559809, 35264596, 35534704, 36243179). ClinVar contains an entry for this variant (Variation ID: 142214). Invitae Evidence Modeling of protein sequence and biophysical properties (such as structural, functional, and spatial information, amino acid conservation, physicochemical variation, residue mobility, and thermodynamic stability) indicates that this missense variant is not expected to disrupt APC protein function with a negative predictive value of 95%. In summary, the available evidence is currently insufficient to determine the role of this variant in disease. Therefore, it has been classified as a Variant of Uncertain Significance.

Ambry Genetics
Classification: Uncertain significance for Hereditary cancer-predisposing syndrome. Last evaluated: 2025-09-29. Review status: criteria provided, single submitter. Criteria: Ambry Variant Classification Scheme 2023. Collection method: clinical testing. Allele origin: germline.
Comment: The p.R2721C variant (also known as c.8161C>T), located in coding exon 15 of the APC gene, results from a C to T substitution at nucleotide position 8161. The arginine at codon 2721 is replaced by cysteine, an amino acid with highly dissimilar properties. This alteration has been reported in a patient with early onset familial colorectal cancer (Chubb D et al. J Clin Oncol, 2015 Feb;33:426-32). This amino acid position is well conserved in available vertebrate species. In addition, in silico predictors for this gene do not accurately predict pathogenicity. Since supporting evidence is limited at this time, the clinical significance of this alteration remains unclear.

All of Us Research Program, National Institutes of Health
Classification: Uncertain significance for Classic or attenuated familial adenomatous polyposis. Last evaluated: 2024-09-23. Review status: criteria provided, single submitter. Criteria: ACMG Guidelines, 2015. Collection method: clinical testing. Allele origin: germline. Inheritance: Autosomal dominant inheritance. Observed: 4 variant alleles, 4 heterozygotes.
Comment: This missense variant replaces arginine with cysteine at codon 2721 of the APC protein. Computational prediction is inconclusive regarding the impact of this variant on protein structure and function (internally defined REVEL score threshold 0.5 < inconclusive < 0.7, PMID: 27666373). To our knowledge, functional studies have not been reported for this variant. This variant has been observed in an individual affected with familial colon cancer with tumor showing microsatellite stability (PMID: 25559809). This variant has been identified in 1/246084 chromosomes in the general population by the Genome Aggregation Database (gnomAD). The available evidence is insufficient to determine the role of this variant in disease conclusively. Therefore, this variant is classified as a Variant of Uncertain Significance.

This study involves interpretation of variants in research participants for the purpose of population health screening. Participant phenotype was not available at the time of variant classification. Additional details can be found in publication PMID: 35346344, PMCID: PMC8962531

Color Diagnostics, LLC DBA Color Health
Classification: Uncertain significance for Hereditary cancer-predisposing syndrome. Last evaluated: 2024-04-24. Review status: criteria provided, single submitter. Criteria: ACMG Guidelines, 2015. Collection method: clinical testing. Allele origin: germline.
Comment: This missense variant replaces arginine with cysteine at codon 2721 of the APC protein. Computational prediction is inconclusive regarding the impact of this variant on protein structure and function (internally defined REVEL score threshold 0.5 < inconclusive < 0.7, PMID: 27666373). To our knowledge, functional studies have not been reported for this variant. This variant has been observed in an individual affected with familial colon cancer with tumor showing microsatellite stability (PMID: 25559809). This variant has been identified in 1/246084 chromosomes in the general population by the Genome Aggregation Database (gnomAD). The available evidence is insufficient to determine the role of this variant in disease conclusively. Therefore, this variant is classified as a Variant of Uncertain Significance.

Myriad Genetics, Inc.
Classification: Uncertain significance for Familial adenomatous polyposis 1. Last evaluated: 2023-02-17. Review status: criteria provided, single submitter. Criteria: Myriad Autosomal Dominant, Autosomal Recessive and X-Linked Classification Criteria (2023). Collection method: clinical testing. Allele origin: unknown.
Comment: This variant is classified as a variant of uncertain significance as there is insufficient evidence to determine its impact on protein function and/or cancer risk.

Mendelics
Classification: Uncertain significance for Familial adenomatous polyposis 1. Last evaluated: 2018-07-02. Review status: criteria provided, single submitter. Criteria: Mendelics Assertion Criteria 2017. Collection method: clinical testing. Allele origin: unknown.

PreventionGenetics, part of Exact Sciences
Classification: Uncertain significance. Last evaluated: 2018-01-11. Review status: criteria provided, single submitter. Criteria: ACMG Guidelines, 2015. Collection method: clinical testing. Allele origin: germline.

Counsyl
Classification: Uncertain significance for Familial adenomatous polyposis 1. Last evaluated: 2016-10-11. Review status: no assertion criteria provided. Collection method: clinical testing. Allele origin: unknown. Not counted in ClinVar's aggregate classification.

Literature cited by the submitters: PubMed 25559809 (cited by 5 submitters); PubMed 35264596 (cited by Labcorp Genetics (formerly Invitae), Labcorp); PubMed 35534704 (cited by Labcorp Genetics (formerly Invitae), Labcorp); PubMed 36243179 (cited by Labcorp Genetics (formerly Invitae), Labcorp).